The following is an entry in ClinVar:

NM_001143780.3(SLC25A39):c.474C>T (p.Thr158=)

Gene: SLC25A39 (solute carrier family 25 member 39; minus strand). Cytogenetic location: 17q21.31.
Variant type: single nucleotide variant.
Coding change: c.474C>T on transcript NM_001143780.3 (MANE Select); coding-DNA position 474, C replaced by T.
Protein change: p.Thr158=; no amino-acid change (threonine 158 retained).
Molecular consequence: synonymous variant. On other transcripts: non-coding transcript variant (5).
Genome position (GRCh38, 1-based): chr17:44,321,477, G>A on the plus strand (C>T on the coding strand, the complement: SLC25A39 is on the minus strand). VCF-style: chr17-44321477-G-A. GRCh37 (hg19) VCF-style: chr17-42398845-G-A.
Other names: c.405C>T, p.Thr135= (NM_001321240.2); c.450C>T, p.Thr150= (NM_001321241.2, NM_016016.4); c.171C>T, p.Thr57= (NM_001366726.1).
Identifiers: ClinVar variation 2647832 (VCV002647832.24), dbSNP rs148136132, ClinGen allele CA8601421.
Genomic context (GRCh38, chr17:44,321,477, plus strand): 5'-CCCAAGACTATGCTCACGGCGGGCCAGCGCGCCAGCCACCATGGGTGCGTAGAGGTCAGA[G>A]GTCAGGGCTCGACCACACAGGAAGGCCTTCAGTTGGTCATAGGCAGTGAAGTAGATGGCG-3'
Protein context (NP_001137252.1, residues 148-168): LKAFLCGRAL[Thr158=]SDLYAPMVAG

ClinVar aggregate classification (germline): Likely benign (1 of 4 stars; one submission).

Allele frequency attached by ClinVar (database versions not stated): ESP Exome Variant Server 0.00023; gnomAD 0.00031; TOPMed 0.00042; 1000 Genomes Project 30x 0.00047; ExAC 0.00054; 1000 Genomes Project 0.00060.
gnomAD v4.1: 719 of 1,614,104 alleles (0.045%); highest among the groups gnomAD compares: Admixed American, 0.19%; 1 homozygote.

Submission:

CeGaT Center for Human Genetics Tuebingen
Classification: Likely benign. Last evaluated: 2022-04-01. Review status: criteria provided, single submitter. Criteria: CeGaT Center For Human Genetics Tuebingen Variant Classification Criteria Version 2. Collection method: clinical testing. Allele origin: germline. Affected: yes. Observed: 1 variant allele.
Comment: SLC25A39: BP4, BP7